The following is an entry in ClinVar:

NM_001367624.2(ZNF469):c.5459C>T (p.Thr1820Ile)

Gene: ZNF469 (zinc finger protein 469; plus strand). Cytogenetic location: 16q24.2.
Variant type: single nucleotide variant.
Coding change: c.5459C>T on transcript NM_001367624.2 (MANE Select); coding-DNA position 5459, C replaced by T.
Protein change: p.Thr1820Ile; replaces threonine 1820 with isoleucine.
Molecular consequence: missense variant.
Genome position (GRCh38, 1-based): chr16:88,432,929, C>T. VCF-style: chr16-88432929-C-T. GRCh37 (hg19) VCF-style: chr16-88499337-C-T.
Other names: p.Thr1820Ile; short protein forms T1820I.
Identifiers: ClinVar variation 4542068 (VCV004542068.1).
Genomic context (GRCh38, chr16:88,432,929, plus strand): 5'-CTGTCCATCTGGCCCCTGACTTGGCATTTCAGGGTGACGGGGCTCCACCTCTGGATGCCA[C>T]CTGGCCTTTTGGTGCCAGTCCCAGCCATGCTGCCCAGGGACATTCTGCAGGCAGAGCAGG-3'
Protein context (NP_001354553.1, residues 1810-1830): QGDGAPPLDA[Thr1820Ile]WPFGASPSHA

ClinVar aggregate classification (germline): Uncertain significance (1 of 4 stars; one submission).

gnomAD v4.1: 9 of 1,550,304 alleles (0.00058%); highest among the groups gnomAD compares: East Asian, 0.015%; no homozygotes.

Submission:

Mayo Clinic Laboratories, Mayo Clinic
Classification: Uncertain significance. Last evaluated: 2025-05-01. Review status: criteria provided, single submitter. Criteria: ACMG Guidelines, 2015. Collection method: clinical testing. Allele origin: germline. Observed: 1 variant allele.
Comment: BP4_moderate, PM2_supporting